The following is an entry in ClinVar:

NM_001369.3(DNAH5):c.4689C>T (p.Gly1563=)

Genes: DNAH5 (dynein axonemal heavy chain 5; minus strand), DNAH5-AS1 (DNAH5 antisense RNA 1; plus strand). Cytogenetic location: 5p15.2.
Variant type: single nucleotide variant.
Coding change: c.4689C>T on transcript NM_001369.3 (MANE Select); coding-DNA position 4689, C replaced by T.
Protein change: p.Gly1563=; no amino-acid change (glycine 1563 retained).
Molecular consequence: synonymous variant.
Genome position (GRCh38, 1-based): chr5:13,862,655, G>A on the plus strand (C>T on the coding strand, the complement: DNAH5 is on the minus strand). VCF-style: chr5-13862655-G-A. GRCh37 (hg19) VCF-style: chr5-13862764-G-A.
Identifiers: ClinVar variation 697051 (VCV000697051.16), dbSNP rs375658702, ClinGen allele CA3203912.
Genomic context (GRCh38, chr5:13,862,655, plus strand): 5'-GGCGATGATTTCCGAGGTACTGTCTCCTCTCAAGAGGAGCTCTCCACGGGTTTTAAAGCT[G>A]CCGAAGGTGAATGTTTTATTGTCCCATTCATTAATCACTTGCTTCAGCTTTTGCTCAATG-3'
Protein context (NP_001360.1, residues 1553-1573): NEWDNKTFTF[Gly1563=]SFKTRGELLL

ClinVar aggregate classification (germline): Likely benign. Review status: criteria provided, multiple submitters, no conflicts (2 of 4 stars). 5 submissions from 5 submitters: Likely benign (4). 1 of the submissions does not count toward it. Last evaluated 2025-11-13.

Conditions:
Primary ciliary dyskinesia. Also called: Ciliary dyskinesia. Identifiers: Orphanet 244, MedGen C0008780, MONDO:0016575, HP:0012265.
DNAH5-related disorder. Also called: DNAH5-related condition.

Allele frequency attached by ClinVar (database versions not stated): gnomAD 0.00009 and 0.00010; TOPMed 0.00009; ExAC 0.00010; gnomAD exomes 0.00011 and 0.00015; ESP Exome Variant Server 0.00031.
gnomAD v4.1: 223 of 1,613,852 alleles (0.014%); highest among the groups gnomAD compares: Non-Finnish European, 0.018%; no homozygotes.

Submissions (5):

Labcorp Genetics (formerly Invitae), Labcorp
Classification: Likely benign for Primary ciliary dyskinesia. Last evaluated: 2025-11-13. Review status: criteria provided, single submitter. Criteria: Invitae Variant Classification Sherloc (09022015). Collection method: clinical testing. Allele origin: germline.

PreventionGenetics, part of Exact Sciences
Classification: Likely benign for DNAH5-related condition. Last evaluated: 2025-08-12. Review status: criteria provided, single submitter. Criteria: ACMG Guidelines, 2015. Collection method: clinical testing. Allele origin: germline.
Comment: This variant is classified as likely benign based on ACMG/AMP sequence variant interpretation guidelines (Richards et al. 2015 PMID: 25741868, with internal and published modifications).

Blueprint Genetics
Classification: Likely benign. Last evaluated: 2024-09-30. Review status: criteria provided, single submitter. Criteria: ACMG Guidelines, 2015. Collection method: clinical testing. Allele origin: germline.

Ambry Genetics
Classification: Likely benign for Primary ciliary dyskinesia. Last evaluated: 2022-07-29. Review status: criteria provided, single submitter. Criteria: Ambry Variant Classification Scheme 2023. Collection method: clinical testing. Allele origin: germline.

Natera, Inc.
Classification: Uncertain significance for Primary ciliary dyskinesia. Last evaluated: 2020-03-17. Review status: no assertion criteria provided. Collection method: clinical testing. Allele origin: germline. Not counted in ClinVar's aggregate classification.